The following is an entry in ClinVar:

NM_000400.4(ERCC2):c.544G>T (p.Ala182Ser)

Gene: ERCC2 (ERCC excision repair 2, TFIIH core complex helicase subunit; minus strand). Cytogenetic location: 19q13.32.
Variant type: single nucleotide variant.
Coding change: c.544G>T on transcript NM_000400.4 (MANE Select); coding-DNA position 544, G replaced by T.
Protein change: p.Ala182Ser; replaces alanine 182 with serine.
Molecular consequence: missense variant.
Genome position (GRCh38, 1-based): chr19:45,364,888, C>A on the plus strand (G>T on the coding strand, the complement: ERCC2 is on the minus strand). VCF-style: chr19-45364888-C-A. GRCh37 (hg19) VCF-style: chr19-45868146-C-A.
Other names: c.472G>T, p.Ala158Ser (NM_001130867.2); short protein forms A158S, A182S.
Identifiers: ClinVar variation 1747603 (VCV001747603.2), dbSNP rs766007432, ClinGen allele CA406375685.

ClinVar aggregate classification (germline): Uncertain significance (1 of 4 stars; one submission).

Conditions:
Inborn genetic diseases. Identifiers: MedGen C0950123, MeSH D030342.

Submission:

Ambry Genetics
Classification: Uncertain significance for Inborn genetic diseases. Last evaluated: 2022-05-14. Review status: criteria provided, single submitter. Criteria: Ambry Variant Classification Scheme 2023. Collection method: clinical testing. Allele origin: germline.
Comment: The p.A182S variant (also known as c.544G>T), located in coding exon 7 of the ERCC2 gene, results from a G to T substitution at nucleotide position 544. The alanine at codon 182 is replaced by serine, an amino acid with similar properties. This amino acid position is conserved. In addition, this alteration is predicted to be tolerated by in silico analysis. Since supporting evidence is limited at this time, the clinical significance of this alteration remains unclear.